The following is an entry in ClinVar:

NM_001032283.3(TMPO):c.565+2247C>T

Gene: TMPO (thymopoietin; plus strand). Cytogenetic location: 12q23.1.
Variant type: single nucleotide variant.
Coding change: c.565+2247C>T on transcript NM_001032283.3 (MANE Select); 2247 bases into the intron after coding-DNA position 565, C replaced by T.
Molecular consequence: intron variant. On other transcripts: missense variant (1).
Genome position (GRCh38, 1-based): chr12:98,534,085, C>T. VCF-style: chr12-98534085-C-T. GRCh37 (hg19) VCF-style: chr12-98927863-C-T.
Other names: c.1828C>T, p.Arg610Cys (NM_003276.2); c.565+2247C>T (NM_001307975.2, NM_001032284.3); short protein forms R610C.
Identifiers: ClinVar variation 571419 (VCV000571419.13), dbSNP rs369379490, ClinGen allele CA6732494.

ClinVar aggregate classification (germline): Conflicting classifications of pathogenicity. Review status: criteria provided, conflicting classifications (1 of 4 stars). 3 submissions from 3 submitters: Uncertain significance (2); Likely benign (1). Last evaluated 2025-08-04.

Conditions:
Loeys-Dietz syndrome 2 (LDS2). Also called: Marfan syndrome, type 2 (formerly); TGFBR2-Related Loeys-Dietz Syndrome; Marfan Syndrome type 2; Marfan like connective tissue disorder; MFS 2; AORTIC ANEURYSM, FAMILIAL THORACIC 3. Identifiers: Orphanet 284973, Orphanet 558, MedGen C2674574, MONDO:0012427, OMIM 610168.

Allele frequency attached by ClinVar (database versions not stated): ExAC 0.00003; gnomAD 0.00003; TOPMed 0.00004; ESP Exome Variant Server 0.00008.

Submissions (3):

Labcorp Genetics (formerly Invitae), Labcorp
Classification: Uncertain significance for Loeys-Dietz syndrome 2. Last evaluated: 2025-08-04. Review status: criteria provided, single submitter. Criteria: Invitae Variant Classification Sherloc (09022015). Collection method: clinical testing. Allele origin: germline.
Comment: This sequence change replaces arginine, which is basic and polar, with cysteine, which is neutral and slightly polar, at codon 610 of the TMPO protein (p.Arg610Cys). This variant is present in population databases (rs369379490, gnomAD 0.006%). This variant has not been reported in the literature in individuals affected with TMPO-related conditions. ClinVar contains an entry for this variant (Variation ID: 571419). Invitae Evidence Modeling of protein sequence and biophysical properties (such as structural, functional, and spatial information, amino acid conservation, physicochemical variation, residue mobility, and thermodynamic stability) indicates that this missense variant is not expected to disrupt TMPO protein function with a negative predictive value of 80%. In summary, the available evidence is currently insufficient to determine the role of this variant in disease. Therefore, it has been classified as a Variant of Uncertain Significance.

Ambry Genetics
Classification: Likely benign. Last evaluated: 2023-04-19. Review status: criteria provided, single submitter. Criteria: Ambry Variant Classification Scheme 2023. Collection method: clinical testing. Allele origin: germline.

GeneDx
Classification: Uncertain significance. Last evaluated: 2019-02-08. Review status: criteria provided, single submitter. Criteria: GeneDx Variant Classification Process June 2021. Collection method: clinical testing. Allele origin: germline. Affected: yes.
Comment: In silico analysis, which includes protein predictors and evolutionary conservation, supports that this variant does not alter protein structure/function; Reported as a variant of uncertain significance in ClinVar but additional evidence is not available (SCV000820387.1; Landrum et al., 2016)